The following is an entry in ClinVar:

ClinVar aggregate classification (germline): Likely pathogenic (1 of 4 stars; one submission).

Conditions:
Orofaciodigital syndrome type 14. Also called: Orofaciodigital syndrome xiv. Identifiers: Orphanet 434179, MedGen C4706604, MONDO:0014413, OMIM 615948.

Submission:

Juno Genomics, Hangzhou Juno Genomics, Inc
Classification: Likely pathogenic for Orofaciodigital syndrome type 14. Review status: criteria provided, single submitter. Criteria: ACMG Guidelines, 2015. Collection method: clinical testing. Allele origin: germline.
Comment: Null variant in a gene where loss of function (LOF) is a known mechanism of disease.;Absent from controls (or at extremely low frequency if recessive) in Genome Aggregation Database.

NM_001286577.2(C2CD3):c.3718_3719del (p.Ser1240fs)

Gene: C2CD3 (C2 domain containing 3 centriole elongation regulator; minus strand). Cytogenetic location: 11q13.4.
Variant type: Microsatellite.
Coding change: c.3718_3719del on transcript NM_001286577.2 (MANE Select); coding-DNA positions 3718 to 3719, 2 bases deleted (TC; older notation c.3718_3719delTC).
Protein change: p.Ser1240fs; shifts the reading frame from serine 1240.
Molecular consequence: frameshift variant.
Genome position (GRCh38, 1-based): chr11:74,085,809-74,085,810, GA deleted on the plus strand (TC on the coding strand, the reverse complement: C2CD3 is on the minus strand); deleting any 2 consecutive bases within chr11:74,085,809-74,085,814 gives the same sequence; the c. name uses the placement nearest the transcript's 3' end. VCF-style (leftmost placement, unchanged base first): chr11-74085808-GGA-G. GRCh37 (hg19) VCF-style: chr11-73796853-GGA-G.
Other names: c.3718_3719del, p.Ser1240fs (NM_015531.6); short protein forms S1240fs.
Identifiers: ClinVar variation 5004980 (VCV005004980.2).